The following is an entry in ClinVar:

NM_001082486.2(ACD):c.670A>C (p.Ser224Arg)

Gene: ACD (ACD shelterin complex subunit and telomerase recruitment factor; minus strand). Cytogenetic location: 16q22.1.
Variant type: single nucleotide variant.
Coding change: c.670A>C on transcript NM_001082486.2 (MANE Select); coding-DNA position 670, A replaced by C.
Protein change: p.Ser224Arg; replaces serine 224 with arginine.
Molecular consequence: missense variant.
Genome position (GRCh38, 1-based): chr16:67,658,792, T>G on the plus strand (A>C on the coding strand, the complement: ACD is on the minus strand). VCF-style: chr16-67658792-T-G. GRCh37 (hg19) VCF-style: chr16-67692695-T-G.
Other names: c.670A>C, p.Ser224Arg (NM_001410884.1); c.661A>C, p.Ser221Arg (NM_022914.3); short protein forms S221R, S224R.
Identifiers: ClinVar variation 2586830 (VCV002586830.2), dbSNP rs2543602500, ClinGen allele CA396353682.

ClinVar aggregate classification (germline): Uncertain significance (1 of 4 stars; one submission).

Conditions:
Inborn genetic diseases. Identifiers: MedGen C0950123, MeSH D030342.

Submission:

Ambry Genetics
Classification: Uncertain significance for Inborn genetic diseases. Last evaluated: 2023-08-25. Review status: criteria provided, single submitter. Criteria: Ambry Variant Classification Scheme 2023. Collection method: clinical testing. Allele origin: germline.
Comment: The p.S310R variant (also known as c.928A>C), located in coding exon 8 of the ACD gene, results from an A to C substitution at nucleotide position 928. The serine at codon 310 is replaced by arginine, an amino acid with dissimilar properties. This amino acid position is conserved. In addition, this alteration is predicted to be tolerated by in silico analysis. Since supporting evidence is limited at this time, the clinical significance of this alteration remains unclear.